The following is an entry in ClinVar:

ClinVar aggregate classification (germline): Likely pathogenic (1 of 4 stars; one submission).

Conditions:
Catecholaminergic polymorphic ventricular tachycardia 1. Also called: RYR2-Related Catecholaminergic Polymorphic Ventricular Tachycardia; VENTRICULAR TACHYCARDIA, CATECHOLAMINERGIC POLYMORPHIC, 1, WITH OR WITHOUT ATRIAL DYSFUNCTION AND/OR DILATED CARDIOMYOPATHY; VENTRICULAR TACHYCARDIA, STRESS-INDUCED POLYMORPHIC 1. Identifiers: Orphanet 3286, MedGen C1631597, MONDO:0011484, OMIM 604772.

Submission:

Labcorp Genetics (formerly Invitae), Labcorp
Classification: Likely pathogenic for Catecholaminergic polymorphic ventricular tachycardia 1. Last evaluated: 2025-03-09. Review status: criteria provided, single submitter. Criteria: Invitae Variant Classification Sherloc (09022015). Collection method: clinical testing. Allele origin: germline.
Comment: This sequence change affects a donor splice site in intron 8 of the TRDN gene. It is expected to disrupt RNA splicing. Variants that disrupt the donor or acceptor splice site typically lead to a loss of protein function (PMID: 16199547), and loss-of-function variants in TRDN are known to be pathogenic (PMID: 22422768, 25922419, 26200674, 30649896). This variant is not present in population databases (gnomAD no frequency). This variant has not been reported in the literature in individuals affected with TRDN-related conditions. Algorithms developed to predict the effect of sequence changes on RNA splicing suggest that this variant may disrupt the consensus splice site. In summary, the currently available evidence indicates that the variant is pathogenic, but additional data are needed to prove that conclusively. Therefore, this variant has been classified as Likely Pathogenic.

Literature cited by the submitters: PubMed 16199547; PubMed 22422768; PubMed 25922419; PubMed 26200674; PubMed 30649896.

NM_006073.4(TRDN):c.793+2T>C

Gene: TRDN (triadin; minus strand). Cytogenetic location: 6q22.31.
Variant type: single nucleotide variant.
Coding change: c.793+2T>C on transcript NM_006073.4 (MANE Select); the canonical splice donor site of the intron after coding-DNA position 793, T replaced by C.
Molecular consequence: splice donor variant. On other transcripts: synonymous variant (1).
Genome position (GRCh38, 1-based): chr6:123,503,717, A>G on the plus strand (T>C on the coding strand, the complement: TRDN is on the minus strand). VCF-style: chr6-123503717-A-G. GRCh37 (hg19) VCF-style: chr6-123824862-A-G.
Other names: c.795T>C, p.Gly265= (NM_001256021.2); c.793+2T>C (NM_001407315.1, NM_001251987.2, NM_001256020.2).
Identifiers: ClinVar variation 4714700 (VCV004714700.1).